The following is an entry in ClinVar:

ClinVar aggregate classification (germline): Uncertain significance (1 of 4 stars; one submission).

Conditions:
Autoimmune lymphoproliferative syndrome type 2B. Also called: AUTOIMMUNE LYMPHOPROLIFERATIVE SYNDROME, TYPE IIB. Identifiers: Orphanet 275517, MedGen C1846545, MONDO:0011804, OMIM 607271.

Allele frequency attached by ClinVar (database versions not stated): gnomAD 0.00002; TOPMed 0.00002; gnomAD exomes 0.00004.
gnomAD v4.1: 63 of 1,614,118 alleles (0.0039%); highest among the groups gnomAD compares: Non-Finnish European, 0.0053%; no homozygotes.

Submission:

Labcorp Genetics (formerly Invitae), Labcorp
Classification: Uncertain significance for Autoimmune lymphoproliferative syndrome type 2B. Last evaluated: 2023-07-16. Review status: criteria provided, single submitter. Criteria: Invitae Variant Classification Sherloc (09022015). Collection method: clinical testing. Allele origin: germline.
Comment: This sequence change replaces tyrosine, which is neutral and polar, with cysteine, which is neutral and slightly polar, at codon 409 of the CASP8 protein (p.Tyr409Cys). In summary, the available evidence is currently insufficient to determine the role of this variant in disease. Therefore, it has been classified as a Variant of Uncertain Significance. Advanced modeling of protein sequence and biophysical properties (such as structural, functional, and spatial information, amino acid conservation, physicochemical variation, residue mobility, and thermodynamic stability) performed at Invitae indicates that this missense variant is not expected to disrupt CASP8 protein function. This variant has not been reported in the literature in individuals affected with CASP8-related conditions. This variant is present in population databases (rs775053901, gnomAD 0.007%).

NM_001372051.1(CASP8):c.1175A>G (p.Tyr392Cys)

Gene: CASP8 (caspase 8; plus strand). Cytogenetic location: 2q33.1.
Variant type: single nucleotide variant.
Coding change: c.1175A>G on transcript NM_001372051.1 (MANE Select); coding-DNA position 1175, A replaced by G.
Protein change: p.Tyr392Cys; replaces tyrosine 392 with cysteine.
Molecular consequence: missense variant. On other transcripts: non-coding transcript variant (22), intron variant (1).
Genome position (GRCh38, 1-based): chr2:201,285,188, A>G. VCF-style: chr2-201285188-A-G. GRCh37 (hg19) VCF-style: chr2-202149911-A-G.
Other names: c.1130A>G, p.Tyr377Cys (NM_001080124.2, NM_001400658.1, NM_001400659.1 and 5 more transcripts); c.1352A>G, p.Tyr451Cys (NM_001080125.2); c.1226A>G, p.Tyr409Cys (NM_001228.5); c.1307A>G, p.Tyr436Cys (NM_001400642.1); c.1208A>G, p.Tyr403Cys (NM_001400645.1); c.1175A>G, p.Tyr392Cys (NM_001400648.1, NM_001400651.1, NM_001400653.1 and 5 more transcripts); c.1106A>G, p.Tyr369Cys (NM_001400664.1); c.1100A>G, p.Tyr367Cys (NM_001400665.1); and 7 more; short protein forms Y187C, Y409C, Y178C, Y193C, Y308C, Y436C, Y451C, Y323C.
Identifiers: ClinVar variation 2739985 (VCV002739985.3), dbSNP rs775053901, ClinGen allele CA63892878.